The following is an entry in ClinVar:

NM_001009944.3(PKD1):c.4052G>A (p.Arg1351Gln)

Gene: PKD1 (polycystin 1, transient receptor potential channel interacting; minus strand). Cytogenetic location: 16p13.3.
Variant type: single nucleotide variant.
Coding change: c.4052G>A on transcript NM_001009944.3 (MANE Select); coding-DNA position 4052, G replaced by A.
Protein change: p.Arg1351Gln; replaces arginine 1351 with glutamine.
Molecular consequence: missense variant.
Genome position (GRCh38, 1-based): chr16:2,111,115, C>T on the plus strand (G>A on the coding strand, the complement: PKD1 is on the minus strand). VCF-style: chr16-2111115-C-T. GRCh37 (hg19) VCF-style: chr16-2161116-C-T.
Other names: c.4052G>A, p.Arg1351Gln (NM_000296.4); short protein forms R1351Q.
Identifiers: ClinVar variation 450397 (VCV000450397.6), dbSNP rs374129201, ClinGen allele CA7832509.

ClinVar aggregate classification (germline): Conflicting classifications of pathogenicity. Review status: criteria provided, conflicting classifications (1 of 4 stars). 4 submissions from 4 submitters: Uncertain significance (1); Likely benign (2). 1 of the submissions does not count toward it. Last evaluated 2025-09-25.

Conditions:
PKD1-related disorder. Also called: PKD1-related condition.
Polycystic kidney disease. Also called: Kidney, Polycystic; Polycystic kidney dysplasia. Identifiers: MedGen C0022680, MeSH D007690, MONDO:0020642, HP:0000113.

Allele frequency attached by ClinVar (database versions not stated): TOPMed 0.00023; gnomAD exomes 0.00005; gnomAD 0.00022.
gnomAD v4.1: 162 of 1,610,688 alleles (0.01%); highest among the groups gnomAD compares: East Asian, 0.15%; 1 homozygote.

Submissions (4):

PreventionGenetics, part of Exact Sciences
Classification: Likely benign for PKD1-related condition. Last evaluated: 2025-09-25. Review status: criteria provided, single submitter. Criteria: ACMG Guidelines, 2015. Collection method: clinical testing. Allele origin: germline.
Comment: This variant is classified as likely benign based on ACMG/AMP sequence variant interpretation guidelines (Richards et al. 2015 PMID: 25741868, with internal and published modifications).

Blueprint Genetics
Classification: Likely benign. Last evaluated: 2023-10-05. Review status: criteria provided, single submitter. Criteria: ACMG Guidelines, 2015. Collection method: clinical testing. Allele origin: germline.

GeneDx
Classification: Uncertain significance. Last evaluated: 2017-07-18. Review status: criteria provided, single submitter. Criteria: GeneDx Variant Classification (06012015). Collection method: clinical testing. Allele origin: germline. Affected: yes.
Comment: The R1351Q variant in the PKD1 gene has not been reported previously as a pathogenic variant, nor as a benign variant, to our knowledge. This variant is observed in 30/8520 (0.35%) alleles from individuals of East Asian background in the ExAC dataset (Lek et al., 2016). The R1351Q variant is a semi-conservative amino acid substitution, which may impact secondary protein structure as these residues differ in some properties. This substitution occurs at a position that is not conserved. In silico analysis predicts this variant likely does not alter the protein structure/function. A missense variant at the same codon (R1351W) has been previously reported in an individual with polycystic kidney disease; however, this individual also harbored several other PKD1 variants (Garcia-Gonzalez et al., 2007). We interpret R1351Q as a variant of uncertain significance.

Department of Pathology and Laboratory Medicine, Sinai Health System
Classification: Uncertain significance for Polycystic Kidney disease. Review status: no assertion criteria provided. Collection method: clinical testing. Allele origin: unknown. Affected: yes. Study: The Canadian Open Genetics Repository (COGR). Not counted in ClinVar's aggregate classification.
Comment: The PKD1 p.Arg1351Gln variant was not identified in the literature nor was it identified in the LOVD 3.0, ADPKD Mutation Database, or PKD1-LOVD databases. The variant was identified in dbSNP (ID: rs374129201) as "With Uncertain significance allele" and ClinVar (classified as uncertain significance by GeneDx). The variant was identified in control databases in 67 of 275254 chromosomes at a frequency of 0.0002 (Genome Aggregation Database Feb 27, 2017). The variant was observed in the following populations: East Asian in 58 of 18816 chromosomes (freq: 0.003, increasing the likelihood this could be a low frequency benign variant), African in 3 of 23850 chromosomes (freq: 0.0001), Other in 2 of 6414 chromosomes (freq: 0.0003), Latino in 1 of 34400 chromosomes (freq: 0.00003), European Non-Finnish in 2 of 125178 chromosomes (freq: 0.00002), and South Asian in 1 of 30768 chromosomes (freq: 0.00003), while the variant was not observed in the Ashkenazi Jewish or European Finnish populations. In addition, we cannot be certain that data from control databases is specific to PKD1 and not from one of the six PKD1 pseudogenes. The p.Arg1351 residue is conserved in in mammals but not in more distantly related organisms; however, 4 of 4 computational analyses (SIFT, AlignGVGD, BLOSUM, MutationTaster) do not suggest a high likelihood of impact to the protein; this information is not predictive enough to rule out pathogenicity. The variant occurs outside of the splicing consensus sequence and 2 of 4 in silico or computational prediction software programs (SpliceSiteFinder, MaxEntScan, NNSPLICE, GeneSplicer) predict a greater than 10% difference in splicing; this is not very predictive of pathogenicity. In summary, based on the above information, the clinical significance of this variant cannot be determined with certainty at this time. This variant is classified as a variant of uncertain significance.